The following is an entry in ClinVar:

ClinVar aggregate classification (germline): Pathogenic (1 of 4 stars; one submission).

Conditions:
Fanconi anemia complementation group A (FANCA). Also called: Fanconi anemia, group A; FANCA-Related Fanconi Anemia. Identifiers: Orphanet 84, MedGen C3469521, MONDO:0009215, OMIM 227650.

Submission:

KCCC/NGS Laboratory, Kuwait Cancer Control Center
Classification: Pathogenic for Fanconi anemia complementation group A. Last evaluated: 2023-11-13. Review status: criteria provided, single submitter. Criteria: ACMG Guidelines, 2015. Collection method: clinical testing. Allele origin: germline. Inheritance: Autosomal recessive inheritance. Affected: yes. Observed: 1 homozygote.
Comment: A homozygous pathogenic deletion in the FANCA gene was detected. This deletion has not been identified in the general population by the Genome Aggregation Database (gnomAD). The deletion of exons 12-20 leads to frameshift deletion according to the LOVD and Franklin by Genoox. In addition, loss of function is a known mechanism of disease in the FANCA gene. Several deletions of FANCA gene have already been reported overlapping with deleted exons in patients with Fanconi anemia A (PMIDs: 32947577, 32947577) Thus, it is classified as pathogenic. Homozygous or compound heterozygous pathogenic/likely pathogenic variants in the FANCA gen cause Fanconi Anemia complementation group A (OMIM# 227650).

NM_004006.2:g.(?_89845141)_(89858973_?)del

Genes: FANCA (FA complementation group A; minus strand), DMD (dystrophin; minus strand).
Variant type: Deletion.
Identifiers: ClinVar variation 2628066 (VCV002628066.2).